The following is an entry in ClinVar:

ClinVar aggregate classification (germline): Uncertain significance (1 of 4 stars; one submission).

Allele frequency attached by ClinVar (database versions not stated): gnomAD exomes below 0.00001.
gnomAD v4.1: 3 of 1,610,762 alleles (0.00019%); highest among the groups gnomAD compares: Non-Finnish European, 0.00017%; no homozygotes.

Submission:

Labcorp Genetics (formerly Invitae), Labcorp
Classification: Uncertain significance. Last evaluated: 2021-06-14. Review status: criteria provided, single submitter. Criteria: Invitae Variant Classification Sherloc (09022015). Collection method: clinical testing. Allele origin: germline.
Comment: This sequence change replaces arginine with histidine at codon 46 of the GNB1 protein (p.Arg46His). The arginine residue is highly conserved and there is a small physicochemical difference between arginine and histidine. This variant is not present in population databases (ExAC no frequency). This variant has not been reported in the literature in individuals with GNB1-related conditions. Algorithms developed to predict the effect of missense changes on protein structure and function are either unavailable or do not agree on the potential impact of this missense change (SIFT: "Deleterious"; PolyPhen-2: "Benign"; Align-GVGD: "Class C0"). In summary, the available evidence is currently insufficient to determine the role of this variant in disease. Therefore, it has been classified as a Variant of Uncertain Significance.

NM_002074.5(GNB1):c.137G>A (p.Arg46His)

Gene: GNB1 (G protein subunit beta 1; minus strand). Cytogenetic location: 1p36.33.
Variant type: single nucleotide variant.
Coding change: c.137G>A on transcript NM_002074.5 (MANE Select); coding-DNA position 137, G replaced by A.
Protein change: p.Arg46His; replaces arginine 46 with histidine.
Molecular consequence: missense variant. On other transcripts: intron variant (1).
Genome position (GRCh38, 1-based): chr1:1,815,822, C>T on the plus strand (G>A on the coding strand, the complement: GNB1 is on the minus strand). VCF-style: chr1-1815822-C-T. GRCh37 (hg19) VCF-style: chr1-1747261-C-T.
Other names: c.137G>A, p.Arg46His (NM_001282539.2); c.-97-9284G>A (NM_001282538.2); short protein forms R46H.
Identifiers: ClinVar variation 1517449 (VCV001517449.8), dbSNP rs2100858963, ClinGen allele CA337919689.